The following is an entry in ClinVar:

ClinVar aggregate classification (germline): Likely benign. Review status: criteria provided, multiple submitters, no conflicts (2 of 4 stars). 3 submissions from 3 submitters: Likely benign (3). Last evaluated 2026-07-01.

Conditions:
TNRC6B-related disorder. Also called: TNRC6B-related condition.
Inborn genetic diseases. Identifiers: MedGen C0950123, MeSH D030342.

gnomAD v4.1: 91 of 1,551,560 alleles (0.0059%); highest among the groups gnomAD compares: African/African-American, 0.11%; no homozygotes.

Submissions (3):

CeGaT Center for Human Genetics Tuebingen
Classification: Likely benign. Last evaluated: 2026-07-01. Review status: criteria provided, single submitter. Criteria: CeGaT Center For Human Genetics Tuebingen Variant Classification Criteria Version 2. Collection method: clinical testing. Allele origin: germline. Affected: yes. Observed: 1 variant allele.
Comment: TNRC6B: BS1

PreventionGenetics, part of Exact Sciences
Classification: Likely benign for TNRC6B-related condition. Last evaluated: 2026-04-30. Review status: criteria provided, single submitter. Criteria: ACMG Guidelines, 2015. Collection method: clinical testing. Allele origin: germline.
Comment: This variant is classified as likely benign based on ACMG/AMP sequence variant interpretation guidelines (Richards et al. 2015 PMID: 25741868, with internal and published modifications).

Ambry Genetics
Classification: Likely benign for Inborn genetic diseases. Last evaluated: 2025-08-24. Review status: criteria provided, single submitter. Criteria: Ambry Variant Classification Scheme 2023. Collection method: clinical testing. Allele origin: germline.

NM_001162501.2(TNRC6B):c.3481T>A (p.Ser1161Thr)

Gene: TNRC6B (trinucleotide repeat containing adaptor 6B; plus strand). Cytogenetic location: 22q13.1.
Variant type: single nucleotide variant.
Coding change: c.3481T>A on transcript NM_001162501.2 (MANE Select); coding-DNA position 3481, T replaced by A.
Protein change: p.Ser1161Thr; replaces serine 1161 with threonine.
Molecular consequence: missense variant. On other transcripts: intron variant (2).
Genome position (GRCh38, 1-based): chr22:40,281,188, T>A. VCF-style: chr22-40281188-T-A. GRCh37 (hg19) VCF-style: chr22-40677192-T-A.
Other names: c.1170+1045T>A (NM_001024843.2); c.3252+1045T>A (NM_015088.3); short protein forms S1161T.
Identifiers: ClinVar variation 4188450 (VCV004188450.3).